The following is an entry in ClinVar:

NM_001378454.1(ALMS1):c.4244G>A (p.Gly1415Asp)

Gene: ALMS1 (ALMS1 centrosome and basal body associated protein; plus strand). Cytogenetic location: 2p13.1.
Variant type: single nucleotide variant.
Coding change: c.4244G>A on transcript NM_001378454.1 (MANE Select); coding-DNA position 4244, G replaced by A.
Protein change: p.Gly1415Asp; replaces glycine 1415 with aspartic acid.
Molecular consequence: missense variant.
Genome position (GRCh38, 1-based): chr2:73,450,771, G>A. VCF-style: chr2-73450771-G-A. GRCh37 (hg19) VCF-style: chr2-73677898-G-A.
Other names: c.4247G>A, p.Gly1416Asp (NM_015120.4); short protein forms G1416D, G1415D.
Identifiers: ClinVar variation 2634292 (VCV002634292.1), dbSNP rs6546837, ClinGen allele CA347277841.
Genomic context (GRCh38, chr2:73,450,771, plus strand): 5'-CGTTGCCAGGTAGTCATCTAACTGAAGAGGCTAAGAACGTTTCAGCGGTTCCTGGACCAG[G>A]TGACCGGAAGACTGGGATACCAACTTTACCCTCTACTTTCTACTCACACACAGAGAAGCC-3'
Protein context (NP_001365383.1, residues 1405-1425): AKNVSAVPGP[Gly1415Asp]DRKTGIPTLP

ClinVar aggregate classification (germline): Uncertain significance (1 of 4 stars; one submission).

Conditions:
ALMS1-related disorder. Also called: ALMS1-related condition.

Submission:

PreventionGenetics, part of Exact Sciences
Classification: Uncertain significance for ALMS1-related condition. Last evaluated: 2023-08-28. Review status: criteria provided, single submitter. Criteria: ACMG Guidelines, 2015. Collection method: clinical testing. Allele origin: germline.
Comment: The ALMS1 c.4247G>A variant is predicted to result in the amino acid substitution p.Arg1416Gln. To our knowledge, this variant has not been reported in the literature. This variant is reported in 0.047% of alleles in individuals of Latino descent in gnomAD. At this time, the clinical significance of this variant is uncertain due to the absence of conclusive functional and genetic evidence.